The following is an entry in ClinVar:

NM_001127222.2(CACNA1A):c.685A>G (p.Ile229Val)

Gene: CACNA1A (calcium voltage-gated channel subunit alpha1 A; minus strand). Cytogenetic location: 19p13.13.
Variant type: single nucleotide variant.
Coding change: c.685A>G on transcript NM_001127222.2 (MANE Select); coding-DNA position 685, A replaced by G.
Protein change: p.Ile229Val; replaces isoleucine 229 with valine.
Molecular consequence: missense variant.
Genome position (GRCh38, 1-based): chr19:13,365,416, T>C on the plus strand (A>G on the coding strand, the complement: CACNA1A is on the minus strand). VCF-style: chr19-13365416-T-C. GRCh37 (hg19) VCF-style: chr19-13476230-T-C.
Other names: c.685A>G, p.Ile229Val (NM_000068.4, NM_001127221.2, NM_001174080.2 and 1 more transcripts); short protein forms I229V.
Identifiers: ClinVar variation 1038471 (VCV001038471.9), dbSNP rs2059190527, ClinGen allele CA404348580.

ClinVar aggregate classification (germline): Uncertain significance (1 of 4 stars; one submission).

Conditions:
Developmental and epileptic encephalopathy, 42 (DEE42A). Also called: DEVELOPMENTAL AND EPILEPTIC ENCEPHALOPATHY 42A; EPILEPTIC ENCEPHALOPATHY, EARLY INFANTILE, 42A; Epileptic encephalopathy, early infantile, 42. Identifiers: MedGen C4310716, MONDO:0014917, OMIM 617106.
Episodic ataxia type 2 (EA2). Also called: CEREBELLAR ATAXIA, PAROXYSMAL, ACETAZOLAMIDE-RESPONSIVE; CEREBELLOPATHY, HEREDITARY PAROXYSMAL; EPISODIC ATAXIA, NYSTAGMUS-ASSOCIATED; ACETAZOLAMIDE-RESPONSIVE HEREDITARY PAROXYSMAL CEREBELLAR ATAXIA; ATAXIA, EPISODIC, WITH NYSTAGMUS; ATAXIA, FAMILIAL PAROXYSMAL. Identifiers: Orphanet 97, MedGen C1720416, MONDO:0007163, OMIM 108500.

Submission:

Labcorp Genetics (formerly Invitae), Labcorp
Classification: Uncertain significance for Developmental and epileptic encephalopathy, 42; Episodic ataxia type 2. Last evaluated: 2020-04-08. Review status: criteria provided, single submitter. Criteria: Invitae Variant Classification Sherloc (09022015). Collection method: clinical testing. Allele origin: germline.
Comment: This sequence change replaces isoleucine with valine at codon 229 of the CACNA1A protein (p.Ile229Val). The isoleucine residue is highly conserved and there is a small physicochemical difference between isoleucine and valine. This variant is not present in population databases (ExAC no frequency). This variant has not been reported in the literature in individuals with CACNA1A-related conditions. Algorithms developed to predict the effect of missense changes on protein structure and function (SIFT, PolyPhen-2, Align-GVGD) all suggest that this variant is likely to be disruptive, but these predictions have not been confirmed by published functional studies and their clinical significance is uncertain. Algorithms developed to predict the effect of sequence changes on RNA splicing suggest that this variant may create or strengthen a splice site, but this prediction has not been confirmed by published transcriptional studies. In summary, the available evidence is currently insufficient to determine the role of this variant in disease. Therefore, it has been classified as a Variant of Uncertain Significance.